The following is an entry in ClinVar:

NC_000023.11:g.(?_31663473)_(31993012_?)del

Genes: DMD (dystrophin; minus strand), LOC129391296 (MPRA-validated peak7373 silencer; plus strand). Cytogenetic location: Xp21.1.
Variant type: Deletion.
Other names: c.(?_6439-24498)_(7873-5329_?)del (LRG_199t1).
Identifiers: ClinVar variation 228331 (VCV000228331.4).

ClinVar aggregate classification (germline): Pathogenic (1 of 4 stars; one submission).

Conditions:
Muscular dystrophy. Identifiers: Orphanet 98473, MedGen C0026850, MeSH D009136, MONDO:0020121, HP:0003560.

Submission:

Laboratory for Molecular Medicine, Mass General Brigham Personalized Medicine
Classification: Pathogenic for Muscular dystrophy. Last evaluated: 2015-07-02. Review status: criteria provided, single submitter. Criteria: LMM Criteria. Collection method: clinical testing. Allele origin: germline. Inheritance: X-linked inheritance. Observed: 1 variant allele.
Comment: The c.(?_6439-24498)_(7873-5329_?)del variant in DMD is a deletion of exons 45-5 3 and is predicted to result in an in-frame deletion. In-frame deletions in DMD are generally associated with BMD (Darras 2014) and deletions in this region hav e been well reported in individuals with BMD (Beggs 1991, Lalic 2005, Oshima 200 9). In summary, this variant meets our criteria to be classified as pathogenic f or dystrophinopathies in an X-linked manner.

Literature cited by the submitters: PubMed 16030524; PubMed 18752307; PubMed 23299919; PubMed 25244321; PubMed 24135430; PubMed 19449031; PubMed 20301298; PubMed 2063877.